The following is an entry in ClinVar:

NM_032595.5(PPP1R9B):c.2346T>G (p.Val782=)

Gene: PPP1R9B (protein phosphatase 1 regulatory subunit 9B; minus strand). Cytogenetic location: 17q21.33.
Variant type: single nucleotide variant.
Coding change: c.2346T>G on transcript NM_032595.5 (MANE Select); coding-DNA position 2346, T replaced by G.
Protein change: p.Val782=; no amino-acid change (valine 782 retained).
Molecular consequence: synonymous variant.
Genome position (GRCh38, 1-based): chr17:50,135,607, A>C on the plus strand (T>G on the coding strand, the complement: PPP1R9B is on the minus strand). VCF-style: chr17-50135607-A-C. GRCh37 (hg19) VCF-style: chr17-48212972-A-C.
Identifiers: ClinVar variation 2647891 (VCV002647891.24), dbSNP rs1912206955, ClinGen allele CA500826361.

ClinVar aggregate classification (germline): Likely benign (1 of 4 stars; one submission).

Submission:

CeGaT Center for Human Genetics Tuebingen
Classification: Likely benign. Last evaluated: 2023-02-01. Review status: criteria provided, single submitter. Criteria: CeGaT Center For Human Genetics Tuebingen Variant Classification Criteria Version 2. Collection method: clinical testing. Allele origin: germline. Affected: yes. Observed: 1 variant allele.
Comment: PPP1R9B: BP4, BP7